The following is an entry in ClinVar:

ClinVar aggregate classification (germline): Uncertain significance (1 of 4 stars; one submission).

Conditions:
Perlman syndrome (PRLMNS). Identifiers: Orphanet 2849, MedGen C0796113, MONDO:0009965, OMIM 267000.

Submission:

Labcorp Genetics (formerly Invitae), Labcorp
Classification: Uncertain significance for Perlman syndrome. Last evaluated: 2022-10-26. Review status: criteria provided, single submitter. Criteria: Invitae Variant Classification Sherloc (09022015). Collection method: clinical testing. Allele origin: germline.
Comment: This sequence change falls in intron 10 of the DIS3L2 gene. It does not directly change the encoded amino acid sequence of the DIS3L2 protein. It affects a nucleotide within the consensus splice site. This variant is not present in population databases (gnomAD no frequency). This variant has not been reported in the literature in individuals affected with DIS3L2-related conditions. Variants that disrupt the consensus splice site are a relatively common cause of aberrant splicing (PMID: 17576681, 9536098). Algorithms developed to predict the effect of sequence changes on RNA splicing suggest that this variant is not likely to affect RNA splicing. In summary, the available evidence is currently insufficient to determine the role of this variant in disease. Therefore, it has been classified as a Variant of Uncertain Significance.

Literature cited by the submitters: PubMed 17576681; PubMed 9536098.

NM_152383.5(DIS3L2):c.1204+6A>T

Gene: DIS3L2 (DIS3 like 3'-5' exoribonuclease 2; plus strand). Cytogenetic location: 2q37.1.
Variant type: single nucleotide variant.
Coding change: c.1204+6A>T on transcript NM_152383.5 (MANE Select); 6 bases into the intron after coding-DNA position 1204, A replaced by T.
Molecular consequence: intron variant.
Genome position (GRCh38, 1-based): chr2:232,210,411, A>T. VCF-style: chr2-232210411-A-T. GRCh37 (hg19) VCF-style: chr2-233075121-A-T.
Other names: c.1204+6A>T (NM_001257281.2).
Identifiers: ClinVar variation 2415170 (VCV002415170.6), dbSNP rs1225197358, ClinGen allele CA2580066023.